The following is an entry in ClinVar:

ClinVar aggregate classification (germline): Conflicting classifications of pathogenicity. Review status: criteria provided, conflicting classifications (1 of 4 stars). 3 submissions from 3 submitters: Likely pathogenic (1); Uncertain significance (2). Last evaluated 2025-03-21.

Conditions:
Combined immunodeficiency due to ZAP70 deficiency (IMD48). Also called: Immunodeficiency 48; ZAP70 Deficiency. Identifiers: Orphanet 911, MedGen C2931299, MONDO:0010023, OMIM 269840.

Allele frequency attached by ClinVar (database versions not stated): gnomAD 0.00001; gnomAD exomes 0.00003; TOPMed 0.00003; ExAC 0.00003.
gnomAD v4.1: 44 of 1,613,790 alleles (0.0027%); highest among the groups gnomAD compares: Admixed American, 0.01%; no homozygotes.

Submissions (3):

National Institute of Allergy and Infectious Diseases - Centralized Sequencing Program, National Institutes of Health
Classification: Likely pathogenic for Combined immunodeficiency due to ZAP70 deficiency. Last evaluated: 2025-03-21. Review status: criteria provided, single submitter. Criteria: ACMG Guidelines, 2015. Collection method: clinical testing. Allele origin: germline. Affected: yes.
Comment: This variant has been reported in trans with c.1505C>T (p.Pro502Leu) in a patient presenting with low T-cell receptor excision circles (PMIDs: 28603521, 27484032). It results in a missense change at a highly conserved residue within the C-terminal SH2 domain of ZAP70. In silico predictions suggest a damaging effect, and ex vivo functional assays (internal data, submitted for publication) demonstrate reduced levels of phosphorylated ZAP70 and downstream signaling pathways upon T-cell receptor (TCR) stimulation supporting a deleterious impact on protein function.

Labcorp Genetics (formerly Invitae), Labcorp
Classification: Uncertain significance for Combined immunodeficiency due to ZAP70 deficiency. Last evaluated: 2024-11-11. Review status: criteria provided, single submitter. Criteria: Invitae Variant Classification Sherloc (09022015). Collection method: clinical testing. Allele origin: germline.
Comment: This sequence change replaces glycine, which is neutral and non-polar, with arginine, which is basic and polar, at codon 245 of the ZAP70 protein (p.Gly245Arg). This variant is present in population databases (rs199874724, gnomAD 0.01%). This variant has not been reported in the literature in individuals affected with ZAP70-related conditions. ClinVar contains an entry for this variant (Variation ID: 1053871). An algorithm developed to predict the effect of missense changes on protein structure and function (PolyPhen-2) suggests that this variant is likely to be disruptive. In summary, the available evidence is currently insufficient to determine the role of this variant in disease. Therefore, it has been classified as a Variant of Uncertain Significance.

Blueprint Genetics
Classification: Uncertain significance. Last evaluated: 2018-01-05. Review status: criteria provided, single submitter. Criteria: ACMG Guidelines, 2015. Collection method: clinical testing. Allele origin: germline.

Literature cited by the submitters: PubMed 28603521 (cited by National Institute of Allergy and Infectious Diseases - Centralized Sequencing Program, National Institutes of Health); PubMed 35753512 (cited by National Institute of Allergy and Infectious Diseases - Centralized Sequencing Program, National Institutes of Health); PubMed 27577878 (cited by National Institute of Allergy and Infectious Diseases - Centralized Sequencing Program, National Institutes of Health).

NM_001079.4(ZAP70):c.733G>A (p.Gly245Arg)

Gene: ZAP70 (zeta chain of T cell receptor associated protein kinase 70; plus strand). Cytogenetic location: 2q11.2.
Variant type: single nucleotide variant.
Coding change: c.733G>A on transcript NM_001079.4 (MANE Select); coding-DNA position 733, G replaced by A.
Protein change: p.Gly245Arg; replaces glycine 245 with arginine.
Molecular consequence: missense variant.
Genome position (GRCh38, 1-based): chr2:97,733,155, G>A. VCF-style: chr2-97733155-G-A. GRCh37 (hg19) VCF-style: chr2-98349618-G-A.
Other names: c.733G>A, p.Gly245Arg (NM_001378594.1); short protein forms G245R.
Identifiers: ClinVar variation 1053871 (VCV001053871.9), dbSNP rs199874724, ClinGen allele CA1790196.